The following is an entry in ClinVar:

ClinVar aggregate classification (germline): Pathogenic (1 of 4 stars; one submission).
ClinVar aggregate classification (somatic clinical impact): Tier I - Strong (1 of 4 stars; one submission).

Conditions:
RASopathy. Also called: Noonan spectrum disorder; rasopathies. Identifiers: Orphanet 536391, MedGen C5555857, MONDO:0021060.
Embryonal rhabdomyosarcoma (ERMS). Also called: Botryoid rhabdomyosarcoma (type of ERMS); Spindle cell rhabdomyosarcomas (type of ERMS). Identifiers: Orphanet 99757, MedGen C0206656, MONDO:0009993, HP:0006743.

Submissions (2):

Labcorp Genetics (formerly Invitae), Labcorp
Classification: Pathogenic for RASopathy. Last evaluated: 2025-10-29. Review status: criteria provided, single submitter. Criteria: Invitae Variant Classification Sherloc (09022015). Collection method: clinical testing. Allele origin: germline.
Comment: This sequence change replaces glutamine, which is neutral and polar, with lysine, which is basic and polar, at codon 510 of the PTPN11 protein (p.Gln510Lys). This variant is not present in population databases (gnomAD no frequency). This missense change has been observed in individuals with Noonan syndrome or Noonan syndrome with multiple lentigines (PMID: 39484914). Invitae Evidence Modeling of protein sequence and biophysical properties (such as structural, functional, and spatial information, amino acid conservation, physicochemical variation, residue mobility, and thermodynamic stability) indicates that this missense variant is expected to disrupt PTPN11 protein function with a positive predictive value of 95%. This variant disrupts the p.Gln510 amino acid residue in PTPN11. Other variant(s) that disrupt this residue have been determined to be pathogenic (PMID: 15948193, 24775816). This suggests that this residue is clinically significant, and that variants that disrupt this residue are likely to be disease-causing. For these reasons, this variant has been classified as Pathogenic.

Institute for Genomic Medicine (IGM) Clinical Laboratory, Nationwide Children's Hospital
Classification: Tier I - Strong for Embryonal rhabdomyosarcoma. Assertion type: diagnostic. Clinical significance: supports diagnosis. Last evaluated: 2024-05-13. Review status: criteria provided, single submitter. Criteria: AMP/ASCO/CAP Guidelines, 2017. Collection method: clinical testing. Allele origin: somatic. Affected: yes.
Comment: Variant has Tier I (strong) clinical significance as a diagnostic inclusion criterion in embryonal rhabdomyosarcoma, based on the following evidence: 1) Documented in one or more cancer databases (e.g., St. Jude Pecan, COSMIC, CIViC, OncoKB) (PMID: 18470943). 2) Diagnostic for a specific tumor type/classification based on well-powered studies with expert-level consensus (Evidence Level B; PMIDs: 24436047, 34166060, 26138366, 16518851, 19681119, 22142829).

Literature cited by the submitters: PubMed 39484914 (cited by Labcorp Genetics (formerly Invitae), Labcorp); PubMed 15948193 (cited by Labcorp Genetics (formerly Invitae), Labcorp); PubMed 24775816 (cited by Labcorp Genetics (formerly Invitae), Labcorp); PubMed 18470943 (cited by Institute for Genomic Medicine (IGM) Clinical Laboratory, Nationwide Children's Hospital); PubMed 24436047 (cited by Institute for Genomic Medicine (IGM) Clinical Laboratory, Nationwide Children's Hospital); PubMed 34166060 (cited by Institute for Genomic Medicine (IGM) Clinical Laboratory, Nationwide Children's Hospital); PubMed 26138366 (cited by Institute for Genomic Medicine (IGM) Clinical Laboratory, Nationwide Children's Hospital); PubMed 16518851 (cited by Institute for Genomic Medicine (IGM) Clinical Laboratory, Nationwide Children's Hospital); PubMed 19681119 (cited by Institute for Genomic Medicine (IGM) Clinical Laboratory, Nationwide Children's Hospital); PubMed 22142829 (cited by Institute for Genomic Medicine (IGM) Clinical Laboratory, Nationwide Children's Hospital).

NM_002834.5(PTPN11):c.1528C>A (p.Gln510Lys)

Gene: PTPN11 (protein tyrosine phosphatase non-receptor type 11; plus strand). Cytogenetic location: 12q24.13.
Variant type: single nucleotide variant.
Coding change: c.1528C>A on transcript NM_002834.5 (MANE Select); coding-DNA position 1528, C replaced by A.
Protein change: p.Gln510Lys; replaces glutamine 510 with lysine.
Molecular consequence: missense variant.
Genome position (GRCh38, 1-based): chr12:112,489,104, C>A. VCF-style: chr12-112489104-C-A. GRCh37 (hg19) VCF-style: chr12-112926908-C-A.
Other names: c.1540C>A, p.Gln514Lys (NM_001330437.2); c.1525C>A, p.Gln509Lys (NM_001374625.1); short protein forms Q510K, Q514K, Q509K.
Identifiers: ClinVar variation 4530410 (VCV004530410.2), dbSNP rs397507549.